The following is an entry in ClinVar:

NM_001367549.1(ATP13A3):c.3744A>G (p.Gly1248=)

Gene: ATP13A3 (ATPase 13A3; minus strand). Cytogenetic location: 3q29.
Variant type: single nucleotide variant.
Coding change: c.3744A>G on transcript NM_001367549.1 (MANE Select); coding-DNA position 3744, A replaced by G.
Protein change: p.Gly1248=; no amino-acid change (glycine 1248 retained).
Molecular consequence: synonymous variant. On other transcripts: non-coding transcript variant (1).
Genome position (GRCh38, 1-based): chr3:194,405,946, T>C on the plus strand (A>G on the coding strand, the complement: ATP13A3 is on the minus strand). VCF-style: chr3-194405946-T-C. GRCh37 (hg19) VCF-style: chr3-194126675-T-C.
Other names: c.3654A>G (NM_024524.3); c.3663A>G, p.Gly1221= (NM_001374836.1); c.3654A>G, p.Gly1218= (NM_024524.4).
Identifiers: ClinVar variation 2712237 (VCV002712237.5), dbSNP rs147042103, ClinGen allele CA2761348.

ClinVar aggregate classification (germline): Likely benign. Review status: criteria provided, single submitter (1 of 4 stars). 2 submissions from 2 submitters: Likely benign (1). 1 of the submissions does not count toward it. Last evaluated 2024-03-12.

Conditions:
ATP13A3-related disorder. Also called: ATP13A3-related condition.

Allele frequency attached by ClinVar (database versions not stated): ExAC 0.00021; gnomAD exomes 0.00023; TOPMed 0.00023; 1000 Genomes Project 30x 0.00031; gnomAD 0.00034; 1000 Genomes Project 0.00040; ESP Exome Variant Server 0.00041.
gnomAD v4.1: 391 of 1,614,122 alleles (0.024%); highest among the groups gnomAD compares: Middle Eastern, 0.099%; no homozygotes.

Submissions (2):

Labcorp Genetics (formerly Invitae), Labcorp
Classification: Likely benign. Last evaluated: 2024-03-12. Review status: criteria provided, single submitter. Criteria: Invitae Variant Classification Sherloc (09022015). Collection method: clinical testing. Allele origin: germline.

PreventionGenetics, part of Exact Sciences
Classification: Likely benign for ATP13A3-related condition. Last evaluated: 2019-05-10. Review status: no assertion criteria provided. Collection method: clinical testing. Allele origin: germline. Not counted in ClinVar's aggregate classification.
Comment: This variant is classified as likely benign based on ACMG/AMP sequence variant interpretation guidelines (Richards et al. 2015 PMID: 25741868, with internal and published modifications).